The following is an entry in ClinVar:

ClinVar aggregate classification (germline): Pathogenic (1 of 4 stars; one submission).

Conditions:
Primary ciliary dyskinesia 3. Identifiers: Orphanet 244, MedGen C1837618, MONDO:0012085, OMIM 608644.

Submission:

Myriad Genetics, Inc.
Classification: Pathogenic for Primary ciliary dyskinesia 3. Last evaluated: 2024-05-14. Review status: criteria provided, single submitter. Criteria: Myriad Autosomal Dominant, Autosomal Recessive and X-Linked Classification Criteria (2023). Collection method: clinical testing. Allele origin: unknown.
Comment: NM_001369.2(DNAH5):c.12556del1ins5(Y4186Sfs*29) is expected to be pathogenic in the context of primary ciliary dyskinesia, DNAH5-related. This variant is predicted to lead to an abnormal or absent protein product due to the creation of a premature termination codon in DNAH5, a gene where loss-of-function variants are known to be pathogenic. Please note: this variant was assessed in the context of healthy population screening.

NM_001369.3(DNAH5):c.12556delinsAGTGC (p.Tyr4186fs)

Gene: DNAH5 (dynein axonemal heavy chain 5; minus strand). Cytogenetic location: 5p15.2.
Variant type: Indel.
Coding change: c.12556delinsAGTGC on transcript NM_001369.3 (MANE Select); coding-DNA position 12556, T replaced by AGTGC.
Protein change: p.Tyr4186fs; shifts the reading frame from tyrosine 4186.
Molecular consequence: frameshift variant.
Genome position (GRCh38, 1-based): chr5:13,717,464, A replaced by GCACT on the plus strand (T replaced by AGTGC on the coding strand, the reverse complement: DNAH5 is on the minus strand). VCF-style: chr5-13717464-A-GCACT. GRCh37 (hg19) VCF-style: chr5-13717573-A-GCACT.
Other names: short protein forms Y4186fs.
Identifiers: ClinVar variation 5016428 (VCV005016428.1).